The following is an entry in ClinVar:

ClinVar aggregate classification (germline): Likely benign (1 of 4 stars; one submission).

Submission:

CeGaT Center for Human Genetics Tuebingen
Classification: Likely benign. Last evaluated: 2026-05-01. Review status: criteria provided, single submitter. Criteria: CeGaT Center For Human Genetics Tuebingen Variant Classification Criteria Version 2. Collection method: clinical testing. Allele origin: germline. Affected: yes. Observed: 1 variant allele.
Comment: B3GNT2: PM2:Supporting, BP4, BP7

NM_006577.6(B3GNT2):c.1122A>G (p.Leu374=)

Gene: B3GNT2 (UDP-GlcNAc:betaGal beta-1,3-N-acetylglucosaminyltransferase 2; plus strand). Cytogenetic location: 2p15.
Variant type: single nucleotide variant.
Coding change: c.1122A>G on transcript NM_006577.6 (MANE Select); coding-DNA position 1122, A replaced by G.
Protein change: p.Leu374=; no amino-acid change (leucine 374 retained).
Molecular consequence: synonymous variant.
Genome position (GRCh38, 1-based): chr2:62,223,342, A>G. VCF-style: chr2-62223342-A-G. GRCh37 (hg19) VCF-style: chr2-62450477-A-G.
Other names: c.1122A>G, p.Leu374= (NM_001319075.2).
Identifiers: ClinVar variation 4873135 (VCV004873135.2).